The following is an entry in ClinVar:

NM_153240.5(NPHP3):c.817A>G (p.Asn273Asp)

Genes: NPHP3 (nephrocystin 3; minus strand), NPHP3-ACAD11 (NPHP3-ACAD11 readthrough (NMD candidate); minus strand). Cytogenetic location: 3q22.1.
Variant type: single nucleotide variant.
Coding change: c.817A>G on transcript NM_153240.5 (MANE Select); coding-DNA position 817, A replaced by G.
Protein change: p.Asn273Asp; replaces asparagine 273 with aspartic acid.
Molecular consequence: missense variant. On other transcripts: non-coding transcript variant (1).
Genome position (GRCh38, 1-based): chr3:132,716,763, T>C on the plus strand (A>G on the coding strand, the complement: NPHP3 is on the minus strand). VCF-style: chr3-132716763-T-C. GRCh37 (hg19) VCF-style: chr3-132435607-T-C.
Other names: short protein forms N273D.
Identifiers: ClinVar variation 1716036 (VCV001716036.5), dbSNP rs2530496410, ClinGen allele CA354586339.

ClinVar aggregate classification (germline): Uncertain significance (1 of 4 stars; one submission).

Conditions:
Nephronophthisis. Also called: Juvenile Nephronophthisis. Identifiers: Orphanet 655, MedGen C0687120, MONDO:0019005, HP:0000090.

Allele frequency attached by ClinVar (database versions not stated): gnomAD exomes below 0.00001.
gnomAD v4.1: 1 of 1,614,078 alleles (0.000062%); highest among the groups gnomAD compares: Non-Finnish European, 0.000085%; no homozygotes.

Submission:

Labcorp Genetics (formerly Invitae), Labcorp
Classification: Uncertain significance for Nephronophthisis. Last evaluated: 2022-08-10. Review status: criteria provided, single submitter. Criteria: Invitae Variant Classification Sherloc (09022015). Collection method: clinical testing. Allele origin: germline.
Comment: In summary, the available evidence is currently insufficient to determine the role of this variant in disease. Therefore, it has been classified as a Variant of Uncertain Significance. Algorithms developed to predict the effect of missense changes on protein structure and function (SIFT, PolyPhen-2, Align-GVGD) all suggest that this variant is likely to be tolerated. This variant has not been reported in the literature in individuals affected with NPHP3-related conditions. This variant is not present in population databases (gnomAD no frequency). This sequence change replaces asparagine, which is neutral and polar, with aspartic acid, which is acidic and polar, at codon 273 of the NPHP3 protein (p.Asn273Asp).